The following is an entry in ClinVar:

NM_006015.6(ARID1A):c.4715A>G (p.Tyr1572Cys)

Gene: ARID1A (AT-rich interaction domain 1A; plus strand). Cytogenetic location: 1p36.11.
Variant type: single nucleotide variant.
Coding change: c.4715A>G on transcript NM_006015.6 (MANE Select); coding-DNA position 4715, A replaced by G.
Protein change: p.Tyr1572Cys; replaces tyrosine 1572 with cysteine.
Molecular consequence: missense variant. On other transcripts: intron variant (1).
Genome position (GRCh38, 1-based): chr1:26,774,942, A>G. VCF-style: chr1-26774942-A-G. GRCh37 (hg19) VCF-style: chr1-27101433-A-G.
Other names: c.4102-38A>G (NM_139135.4); short protein forms Y1572C.
Identifiers: ClinVar variation 1313887 (VCV001313887.4), dbSNP rs768023738, ClinGen allele CA19810754.

ClinVar aggregate classification (germline): Uncertain significance. Review status: criteria provided, multiple submitters, no conflicts (2 of 4 stars). 2 submissions from 2 submitters: Uncertain significance (2). Last evaluated 2021-08-05.

Conditions:
Intellectual disability, autosomal dominant 14 (CSS2). Also called: COFFIN-SIRIS SYNDROME 2. Identifiers: Orphanet 1465, MedGen C3553247, MONDO:0013819, OMIM 614607.

Submissions (2):

Revvity Omics, Revvity
Classification: Uncertain significance for Intellectual disability, autosomal dominant 14. Last evaluated: 2021-08-05. Review status: criteria provided, single submitter. Criteria: ACMG Guidelines, 2015. Collection method: clinical testing. Allele origin: germline.

GeneDx
Classification: Uncertain significance. Last evaluated: 2021-01-08. Review status: criteria provided, single submitter. Criteria: GeneDx Variant Classification Process June 2021. Collection method: clinical testing. Allele origin: germline. Affected: yes.
Comment: Not observed in large population cohorts (Lek et al., 2016); In silico analysis supports that this missense variant has a deleterious effect on protein structure/function; Has not been previously published as pathogenic or benign to our knowledge